The following is an entry in ClinVar:

NM_001197104.2(KMT2A):c.4239T>A (p.Asn1413Lys)

Gene: KMT2A (lysine methyltransferase 2A; plus strand). Cytogenetic location: 11q23.3.
Variant type: single nucleotide variant.
Coding change: c.4239T>A on transcript NM_001197104.2 (MANE Select); coding-DNA position 4239, T replaced by A.
Protein change: p.Asn1413Lys; replaces asparagine 1413 with lysine.
Molecular consequence: missense variant.
Genome position (GRCh38, 1-based): chr11:118,484,882, T>A. VCF-style: chr11-118484882-T-A. GRCh37 (hg19) VCF-style: chr11-118355597-T-A.
Other names: c.4239T>A, p.Asn1413Lys (NM_005933.4); short protein forms N1413K.
Identifiers: ClinVar variation 1523833 (VCV001523833.8), dbSNP rs782046765, ClinGen allele CA382830677.

ClinVar aggregate classification (germline): Uncertain significance (1 of 4 stars; one submission).

Submission:

Labcorp Genetics (formerly Invitae), Labcorp
Classification: Uncertain significance. Last evaluated: 2022-10-09. Review status: criteria provided, single submitter. Criteria: Invitae Variant Classification Sherloc (09022015). Collection method: clinical testing. Allele origin: germline.
Comment: Advanced modeling of protein sequence and biophysical properties (such as structural, functional, and spatial information, amino acid conservation, physicochemical variation, residue mobility, and thermodynamic stability) performed at Invitae indicates that this missense variant is not expected to disrupt KMT2A protein function. ClinVar contains an entry for this variant (Variation ID: 1523833). This variant has not been reported in the literature in individuals affected with KMT2A-related conditions. This variant is not present in population databases (gnomAD no frequency). This sequence change replaces asparagine, which is neutral and polar, with lysine, which is basic and polar, at codon 1413 of the KMT2A protein (p.Asn1413Lys). In summary, the available evidence is currently insufficient to determine the role of this variant in disease. Therefore, it has been classified as a Variant of Uncertain Significance.